The following is an entry in ClinVar:

NM_000512.5(GALNS):c.1018G>T (p.Gly340Cys)

Gene: GALNS (galactosamine (N-acetyl)-6-sulfatase; minus strand). Cytogenetic location: 16q24.3.
Variant type: single nucleotide variant.
Coding change: c.1018G>T on transcript NM_000512.5 (MANE Select); coding-DNA position 1018, G replaced by T.
Protein change: p.Gly340Cys; replaces glycine 340 with cysteine.
Molecular consequence: missense variant.
Genome position (GRCh38, 1-based): chr16:88,826,823, C>A on the plus strand (G>T on the coding strand, the complement: GALNS is on the minus strand). VCF-style: chr16-88826823-C-A. GRCh37 (hg19) VCF-style: chr16-88893231-C-A.
Other names: c.463G>T, p.Gly155Cys (NM_001323543.2); c.1036G>T, p.Gly346Cys (NM_001323544.2); short protein forms G155C, G340C, G346C.
Identifiers: ClinVar variation 3907416 (VCV003907416.1).
Genomic context (GRCh38, chr16:88,826,823, plus strand): 5'-CGCTGGGCGGCGTCAGGCCCGCAAGGGCCAGGCTGGTGGTGAAGAGGTCCATGATGCTGC[C>A]CAGCTGGTGGCTCACCTGAAACACATGGCAGCAACACGGTCAGGGCACTCTGCACCGACC-3'
Protein context (NP_000503.1, residues 330-350): VTAGQVSHQL[Gly340Cys]SIMDLFTTSL

ClinVar aggregate classification (germline): Uncertain significance (1 of 4 stars; one submission).

Submission:

Women's Health and Genetics/Laboratory Corporation of America, LabCorp
Classification: Uncertain significance. Last evaluated: 2025-06-03. Review status: criteria provided, single submitter. Criteria: LabCorp Variant Classification Summary - May 2015. Collection method: clinical testing. Allele origin: germline.
Comment: Variant summary: GALNS c.1018G>T (p.Gly340Cys) results in a non-conservative amino acid change in the encoded protein sequence. Algorithms developed to predict the effect of missense changes on protein structure and function all suggest that this variant is likely to be disruptive. The variant was absent in 192834 control chromosomes. The available data on variant occurrences in the general population are insufficient to allow any conclusion about variant significance. To our knowledge, no occurrence of c.1018G>T in individuals affected with Mucopolysaccharidosis Type IVA (Morquio Syndrome A) and no experimental evidence demonstrating its impact on protein function have been reported. Two different variants affecting the same codon have been classified as likely pathogenic/pathogenic by our lab (c.1019G>A (p.Gly340Asp), c.1018G>A (p.Gly340Ser)), supporting the critical relevance of codon 340 to GALNS protein function. No submitters have cited clinical-significance assessments for this variant to ClinVar. Based on the evidence outlined above, the variant was classified as VUS-possibly pathogenic.